The following is an entry in ClinVar:

ClinVar aggregate classification (germline): Conflicting classifications of pathogenicity. Review status: criteria provided, conflicting classifications (1 of 4 stars). 2 submissions from 2 submitters: Likely pathogenic (1); Uncertain significance (1). Last evaluated 2024-03-20.

Conditions:
Pigmented paravenous retinochoroidal atrophy. Identifiers: Orphanet 251295, MedGen C1868310, MONDO:0008246, OMIM 172870.
Retinitis pigmentosa 12 (RP12). Also called: RP WITH OR WITHOUT PPRPE; RP WITH OR WITHOUT PRESERVED PARAARTERIOLE RETINAL PIGMENT EPITHELIUM; RETINITIS PIGMENTOSA WITH OR WITHOUT PARAARTERIOLAR PRESERVATION OF RETINAL PIGMENT EPITHELIUM. Identifiers: Orphanet 791, MedGen C1838647, MONDO:0010818, OMIM 600105.
Leber congenital amaurosis 8 (LCA8). Identifiers: Orphanet 65, MedGen C3151202, MONDO:0013453, OMIM 613835.

Allele frequency attached by ClinVar (database versions not stated): gnomAD 0.00001; TOPMed 0.00001.
gnomAD v4.1: 1 of 1,612,142 alleles (0.000062%); highest among the groups gnomAD compares: Non-Finnish European, 0.000085%; no homozygotes.

Submissions (2):

Women's Health and Genetics/Laboratory Corporation of America, LabCorp
Classification: Uncertain significance. Last evaluated: 2024-03-20. Review status: criteria provided, single submitter. Criteria: LabCorp Variant Classification Summary - May 2015. Collection method: clinical testing. Allele origin: germline.
Comment: Variant summary: CRB1 c.3652T>A (p.Cys1218Ser) results in a non-conservative amino acid change located in one of the EGF-like repeat domains (IPR000742), affecting a disulfide bond (between amino acids 1218-1229; UniProt) of the encoded protein sequence. Five of five in-silico tools predict a damaging effect of the variant on protein function. The variant was absent in 249062 control chromosomes (gnomAD v2.1). The available data on variant occurrences in the general population are insufficient to allow any conclusion about variant significance. To our knowledge, no occurrence of c.3652T>A in individuals affected with Retinal Dystrophy and no experimental evidence demonstrating its impact on protein function have been reported. However, a different missense variant affecting this cysteine residue has been reported in affected individuals (HGMD) and been classified as pathogenic in ClinVar (Variation ID: 866855), suggesting this residue may be of clinical significance. No submitters have cited clinical-significance assessments for this variant to ClinVar. Based on the evidence outlined above, the variant was classified as VUS-possibly pathogenic.

Fulgent Genetics
Classification: Likely pathogenic for Pigmented paravenous retinochoroidal atrophy; Retinitis pigmentosa 12; Leber congenital amaurosis 8. Last evaluated: 2024-03-18. Review status: criteria provided, single submitter. Criteria: ACMG Guidelines, 2015. Collection method: clinical testing. Allele origin: germline.

NM_201253.3(CRB1):c.3652T>A (p.Cys1218Ser)

Gene: CRB1 (crumbs cell polarity complex component 1; plus strand). Cytogenetic location: 1q31.3.
Variant type: single nucleotide variant.
Coding change: c.3652T>A on transcript NM_201253.3 (MANE Select); coding-DNA position 3652, T replaced by A.
Protein change: p.Cys1218Ser; replaces cysteine 1218 with serine.
Molecular consequence: missense variant. On other transcripts: non-coding transcript variant (2), intron variant (1).
Genome position (GRCh38, 1-based): chr1:197,435,515, T>A. VCF-style: chr1-197435515-T-A. GRCh37 (hg19) VCF-style: chr1-197404645-T-A.
Other names: c.3316T>A, p.Cys1106Ser (NM_001193640.2); c.3580T>A, p.Cys1194Ser (NM_001257965.2); c.2129-85T>A (NM_001257966.2); short protein forms C1106S, C1194S, C1218S.
Identifiers: ClinVar variation 3233851 (VCV003233851.3), dbSNP rs968499207, ClinGen allele CA35907969.